The following is an entry in ClinVar:

NM_001330260.2(SCN8A):c.607A>G (p.Met203Val)

Gene: SCN8A (sodium voltage-gated channel alpha subunit 8; plus strand). Cytogenetic location: 12q13.13.
Variant type: single nucleotide variant.
Coding change: c.607A>G on transcript NM_001330260.2 (MANE Select); coding-DNA position 607, A replaced by G.
Protein change: p.Met203Val; replaces methionine 203 with valine.
Molecular consequence: missense variant.
Genome position (GRCh38, 1-based): chr12:51,687,212, A>G. VCF-style: chr12-51687212-A-G. GRCh37 (hg19) VCF-style: chr12-52080996-A-G.
Other names: c.607A>G, p.Met203Val (NM_001177984.3, NM_001369788.1, NM_014191.4); short protein forms M203V.
Identifiers: ClinVar variation 3702587 (VCV003702587.2).

ClinVar aggregate classification (germline): Uncertain significance (1 of 4 stars; one submission).

Conditions:
Early-infantile DEE. Also called: Early infantile epileptic encephalopathy with suppression bursts; Early infantile epileptic encephalopathy; Ohtahara syndrome. Identifiers: Orphanet 1934, MedGen C0393706, MONDO:0800491.

Submission:

Labcorp Genetics (formerly Invitae), Labcorp
Classification: Uncertain significance for Early-infantile DEE. Last evaluated: 2024-05-29. Review status: criteria provided, single submitter. Criteria: Invitae Variant Classification Sherloc (09022015). Collection method: clinical testing. Allele origin: germline.
Comment: This sequence change replaces methionine, which is neutral and non-polar, with valine, which is neutral and non-polar, at codon 203 of the SCN8A protein (p.Met203Val). This variant is not present in population databases (gnomAD no frequency). This variant has not been reported in the literature in individuals affected with SCN8A-related conditions. Advanced modeling of protein sequence and biophysical properties (such as structural, functional, and spatial information, amino acid conservation, physicochemical variation, residue mobility, and thermodynamic stability) performed at Invitae indicates that this missense variant is not expected to disrupt SCN8A protein function with a negative predictive value of 95%. In summary, the available evidence is currently insufficient to determine the role of this variant in disease. Therefore, it has been classified as a Variant of Uncertain Significance.